The following is an entry in ClinVar:

NM_000079.4(CHRNA1):c.1106_1107del (p.Ile368_Ser369insTer)

Gene: CHRNA1 (cholinergic receptor nicotinic alpha 1 subunit; minus strand). Cytogenetic location: 2q31.1.
Variant type: Microsatellite.
Coding change: c.1106_1107del on transcript NM_000079.4 (MANE Select); coding-DNA positions 1106 to 1107, 2 bases deleted (CT; older notation c.1106_1107delCT).
Protein change: p.Ile368_Ser369insTer.
Molecular consequence: nonsense.
Genome position (GRCh38, 1-based): chr2:174,748,715-174,748,716, AG deleted on the plus strand (CT on the coding strand, the reverse complement: CHRNA1 is on the minus strand); deleting any 2 consecutive bases within chr2:174,748,715-174,748,719 gives the same sequence; the c. name uses the placement nearest the transcript's 3' end. VCF-style (leftmost placement, unchanged base first): chr2-174748714-CAG-C. GRCh37 (hg19) VCF-style: chr2-175613442-CAG-C.
Other names: c.1181_1182del, p.Ile393_Ser394insTer (NM_001039523.3).
Identifiers: ClinVar variation 5006130 (VCV005006130.2).

ClinVar aggregate classification (germline): Likely pathogenic (1 of 4 stars; one submission).

Conditions:
Lethal multiple pterygium syndrome (LMPS). Identifiers: Orphanet 33108, MedGen C1854678, MONDO:0009668, OMIM 253290.
Myasthenic syndrome, congenital, 1B, fast-channel. Also called: Fast-Channel Congenital Myasthenia Syndrome. Identifiers: Orphanet 590, MedGen C4225405, MONDO:0012156, OMIM 608930.
Myasthenic syndrome, congenital, 1A, slow-channel. Also called: Congenital myasthenic syndrome 1A; CMS IIa; MYASTHENIC SYNDROME, CONGENITAL, TYPE IIa. Identifiers: MedGen C2931107, MONDO:0011088, OMIM 601462.

Submission:

Juno Genomics, Hangzhou Juno Genomics, Inc
Classification: Likely pathogenic for Lethal multiple pterygium syndrome; Myasthenic syndrome, congenital, 1A, slow-channel; Myasthenic syndrome, congenital, 1B, fast-channel. Review status: criteria provided, single submitter. Criteria: ACMG Guidelines, 2015. Collection method: clinical testing. Allele origin: germline.
Comment: Null variant in a gene where loss of function (LOF) is a known mechanism of disease.;Absent from controls (or at extremely low frequency if recessive) in Genome Aggregation Database.